The following is an entry in ClinVar:

NM_007098.4(CLTCL1):c.4331A>G (p.Gln1444Arg)

Gene: CLTCL1 (clathrin heavy chain like 1; minus strand). Cytogenetic location: 22q11.21.
Variant type: single nucleotide variant.
Coding change: c.4331A>G on transcript NM_007098.4 (MANE Select); coding-DNA position 4331, A replaced by G.
Protein change: p.Gln1444Arg; replaces glutamine 1444 with arginine.
Molecular consequence: missense variant.
Genome position (GRCh38, 1-based): chr22:19,188,084, T>C on the plus strand (A>G on the coding strand, the complement: CLTCL1 is on the minus strand). VCF-style: chr22-19188084-T-C. GRCh37 (hg19) VCF-style: chr22-19175596-T-C.
Other names: c.4331A>G, p.Gln1444Arg (NM_001835.4); short protein forms Q1444R.
Identifiers: ClinVar variation 2652857 (VCV002652857.24), dbSNP rs2084373043, ClinGen allele CA410652035.

ClinVar aggregate classification (germline): Uncertain significance (1 of 4 stars; one submission).

Allele frequency attached by ClinVar (database versions not stated): gnomAD exomes below 0.00001.
gnomAD v4.1: 3 of 1,614,012 alleles (0.00019%); highest among the groups gnomAD compares: Middle Eastern, 0.033%; no homozygotes.

Submission:

CeGaT Center for Human Genetics Tuebingen
Classification: Uncertain significance. Last evaluated: 2022-09-01. Review status: criteria provided, single submitter. Criteria: CeGaT Center For Human Genetics Tuebingen Variant Classification Criteria Version 2. Collection method: clinical testing. Allele origin: germline. Affected: yes. Observed: 1 variant allele.
Comment: CLTCL1: PM2